The following is an entry in ClinVar:

NM_000603.5(NOS3):c.963G>A (p.Glu321=)

Gene: NOS3 (nitric oxide synthase 3; plus strand). Cytogenetic location: 7q36.1.
Variant type: single nucleotide variant.
Coding change: c.963G>A on transcript NM_000603.5 (MANE Select); coding-DNA position 963, G replaced by A.
Protein change: p.Glu321=; no amino-acid change (glutamic acid 321 retained).
Molecular consequence: synonymous variant.
Genome position (GRCh38, 1-based): chr7:150,999,196, G>A. VCF-style: chr7-150999196-G-A. GRCh37 (hg19) VCF-style: chr7-150696284-G-A.
Other names: c.963G>A, p.Glu321= (NM_001160109.2, NM_001160110.1, NM_001160111.1).
Identifiers: ClinVar variation 3046811 (VCV003046811.2), dbSNP rs756737838, ClinGen allele CA4566832.

ClinVar aggregate classification (germline): Likely benign (0 of 4 stars; one submission).

Conditions:
NOS3-related disorder. Also called: NOS3-related condition.

Allele frequency attached by ClinVar (database versions not stated): gnomAD exomes below 0.00001; ExAC 0.00002.
gnomAD v4.1: 2 of 1,609,030 alleles (0.00012%); highest among the groups gnomAD compares: Non-Finnish European, 0.00017%; no homozygotes.

Submission:

PreventionGenetics, part of Exact Sciences
Classification: Likely benign for NOS3-related condition. Last evaluated: 2022-09-09. Review status: no assertion criteria provided. Collection method: clinical testing. Allele origin: germline.
Comment: This variant is classified as likely benign based on ACMG/AMP sequence variant interpretation guidelines (Richards et al. 2015 PMID: 25741868, with internal and published modifications).